The following is an entry in ClinVar:

ClinVar aggregate classification (germline): Uncertain significance (1 of 4 stars; one submission).

Conditions:
Muscular dystrophy-dystroglycanopathy (congenital with brain and eye anomalies), type A9. Also called: WALKER-WARBURG SYNDROME OR MUSCLE-EYE BRAIN DISEASE, DAG1-RELATED; Muscular dystrophy-dystroglycanopathy (congenital with brain and eye anomalies), type a, 9. Identifiers: Orphanet 370997, Orphanet 899, MedGen C4225291, MONDO:0014683, OMIM 616538.
Autosomal recessive limb-girdle muscular dystrophy type 2P. Also called: MUSCULAR DYSTROPHY-DYSTROGLYCANOPATHY, LIMB-GIRDLE, DAG1-RELATED; Limb-Girdle Muscular Dystrophy Type 9C; MUSCULAR DYSTROPHY, LIMB-GIRDLE, TYPE 2P. Identifiers: Orphanet 280333, MedGen C4511963, MONDO:0013440, OMIM 613818.

Submission:

Labcorp Genetics (formerly Invitae), Labcorp
Classification: Uncertain significance for Autosomal recessive limb-girdle muscular dystrophy type 2P; Muscular dystrophy-dystroglycanopathy (congenital with brain and eye anomalies), type A9. Last evaluated: 2023-08-14. Review status: criteria provided, single submitter. Criteria: Invitae Variant Classification Sherloc (09022015). Collection method: clinical testing. Allele origin: germline.
Comment: This variant has not been reported in the literature in individuals affected with DAG1-related conditions. In summary, the available evidence is currently insufficient to determine the role of this variant in disease. Therefore, it has been classified as a Variant of Uncertain Significance. Advanced modeling of protein sequence and biophysical properties (such as structural, functional, and spatial information, amino acid conservation, physicochemical variation, residue mobility, and thermodynamic stability) performed at Invitae indicates that this missense variant is not expected to disrupt DAG1 protein function. This variant is not present in population databases (gnomAD no frequency). This sequence change replaces proline, which is neutral and non-polar, with serine, which is neutral and polar, at codon 449 of the DAG1 protein (p.Pro449Ser).

NM_004393.6(DAG1):c.1345C>T (p.Pro449Ser)

Gene: DAG1 (dystroglycan 1; plus strand). Cytogenetic location: 3p21.31.
Variant type: single nucleotide variant.
Coding change: c.1345C>T on transcript NM_004393.6 (MANE Select); coding-DNA position 1345, C replaced by T.
Protein change: p.Pro449Ser; replaces proline 449 with serine.
Molecular consequence: missense variant.
Genome position (GRCh38, 1-based): chr3:49,531,856, C>T. VCF-style: chr3-49531856-C-T. GRCh37 (hg19) VCF-style: chr3-49569289-C-T.
Other names: c.1345C>T, p.Pro449Ser (NM_001165928.4, NM_001177634.3, NM_001177635.3 and 9 more transcripts); short protein forms P449S.
Identifiers: ClinVar variation 2950336 (VCV002950336.3), dbSNP rs2472624996, ClinGen allele CA352795202.